The following is an entry in ClinVar:

NM_001283009.2(RTEL1):c.3080C>T (p.Pro1027Leu)

Genes: RTEL1 (regulator of telomere elongation helicase 1; plus strand), RTEL1-TNFRSF6B (RTEL1-TNFRSF6B readthrough (NMD candidate); plus strand). Cytogenetic location: 20q13.33.
Variant type: single nucleotide variant.
Coding change: c.3080C>T on transcript NM_001283009.2 (MANE Select); coding-DNA position 3080, C replaced by T.
Protein change: p.Pro1027Leu; replaces proline 1027 with leucine.
Molecular consequence: missense variant. On other transcripts: non-coding transcript variant (1).
Genome position (GRCh38, 1-based): chr20:63,694,459, C>T. VCF-style: chr20-63694459-C-T. GRCh37 (hg19) VCF-style: chr20-62325812-C-T.
Other names: p.Pro1051Leu; c.3152C>T (NM_032957.4); c.2411C>T, p.Pro804Leu (NM_001283010.1); c.3080C>T, p.Pro1027Leu (NM_016434.4); c.3152C>T, p.Pro1051Leu (NM_032957.5); short protein forms P804L, P1027L, P1051L.
Identifiers: ClinVar variation 971998 (VCV000971998.9), dbSNP rs141782041, ClinGen allele CA9965825.

ClinVar aggregate classification (germline): Uncertain significance. Review status: criteria provided, multiple submitters, no conflicts (2 of 4 stars). 4 submissions from 4 submitters: Uncertain significance (2). 2 of the submissions do not count toward it. Last evaluated 2024-11-13.

Conditions:
Pulmonary fibrosis and/or bone marrow failure, Telomere-related, 3. Also called: PULMONARY FIBROSIS AND/OR BONE MARROW FAILURE SYNDROME, TELOMERE-RELATED, 3. Identifiers: Orphanet 2032, MedGen C4225346, MONDO:0014613, OMIM 616373.
Dyskeratosis congenita, autosomal recessive 5 (DKCB5). Identifiers: MedGen C3554656, MONDO:0014076, OMIM 615190.
Dyskeratosis congenita. Identifiers: Orphanet 1775, MedGen C0265965, MONDO:0015780.

Allele frequency attached by ClinVar (database versions not stated): gnomAD exomes 0.00009; ExAC 0.00017; 1000 Genomes Project 30x 0.00031; gnomAD 0.00031; ESP Exome Variant Server 0.00039; TOPMed 0.00039; 1000 Genomes Project 0.00040.
gnomAD v4.1: 76 of 1,605,872 alleles (0.0047%); highest among the groups gnomAD compares: African/African-American, 0.097%; no homozygotes.

Submissions (4):

Labcorp Genetics (formerly Invitae), Labcorp
Classification: Uncertain significance for Dyskeratosis congenita, autosomal recessive 5; Pulmonary fibrosis and/or bone marrow failure, Telomere-related, 3. Last evaluated: 2024-11-13. Review status: criteria provided, single submitter. Criteria: Invitae Variant Classification Sherloc (09022015). Collection method: clinical testing. Allele origin: germline.
Comment: This sequence change replaces proline, which is neutral and non-polar, with leucine, which is neutral and non-polar, at codon 1027 of the RTEL1 protein (p.Pro1027Leu). This variant is present in population databases (rs141782041, gnomAD 0.1%). This variant has not been reported in the literature in individuals affected with RTEL1-related conditions. ClinVar contains an entry for this variant (Variation ID: 971998). An algorithm developed to predict the effect of missense changes on protein structure and function outputs the following: PolyPhen-2: "Benign". The leucine amino acid residue is found in multiple mammalian species, which suggests that this missense change does not adversely affect protein function. In summary, the available evidence is currently insufficient to determine the role of this variant in disease. Therefore, it has been classified as a Variant of Uncertain Significance.

Mayo Clinic Laboratories, Mayo Clinic
Classification: Uncertain significance. Last evaluated: 2022-06-01. Review status: criteria provided, single submitter. Criteria: ACMG Guidelines, 2015. Collection method: clinical testing. Allele origin: germline. Observed: 1 variant allele.
Comment: BP4

Genetic Services Laboratory, University of Chicago
Classification: Uncertain significance. Last evaluated: 2022-06-17. Review status: no assertion criteria provided. Collection method: clinical testing. Allele origin: germline. Affected: no. Not counted in ClinVar's aggregate classification.
Comment: DNA sequence analysis of the RTEL1 gene demonstrated a sequence change, c.3152C>T (NM_032957.5), in exon 31 that results in an amino acid change, p.Pro1051Leu. This sequence change has been described in the gnomAD database with a frequency of 0.097% in the African/African American subpopulation (dbSNP rs141782041). The p.Pro1051Leu change affects a moderately conserved amino acid residue located in a domain of the RTEL1 protein that is not known to be functional. The p.Pro1051Leu substitution appears to be benign using several in-silico pathogenicity prediction tools (SIFT, PolyPhen2, Align GVGD, REVEL). This sequence change does not appear to have been previously described in individuals with RTEL1-related disorders. Due to insufficient evidences and the lack of functional studies, the clinical significance of the p.Pro1051Leu change remains unknown at this time.

Natera, Inc.
Classification: Uncertain significance for Dyskeratosis congenita. Last evaluated: 2020-01-13. Review status: no assertion criteria provided. Collection method: clinical testing. Allele origin: germline. Not counted in ClinVar's aggregate classification.